The following is an entry in ClinVar:

ClinVar aggregate classification (germline): Uncertain significance (1 of 4 stars; one submission).

Conditions:
Congenital myopathy 4B, autosomal recessive. Also called: Nemaline myopathy 1, autosomal dominant or recessive. Identifiers: Orphanet 171433, Orphanet 171439, Orphanet 171881, MedGen C5829889, MONDO:0012239, OMIM 609284.
Congenital myopathy with fiber type disproportion. Also called: Congenital fiber-type disproportion; Congenital fiber-type disproportion myopathy. Identifiers: Orphanet 2020, MedGen C0546264, MONDO:0009711. Inheritance: all.

Submission:

Labcorp Genetics (formerly Invitae), Labcorp
Classification: Uncertain significance for Congenital myopathy with fiber type disproportion; Congenital myopathy 4B, autosomal recessive. Last evaluated: 2023-06-17. Review status: criteria provided, single submitter. Criteria: Invitae Variant Classification Sherloc (09022015). Collection method: clinical testing. Allele origin: germline.
Comment: This variant has not been reported in the literature in individuals affected with TPM3-related conditions. In summary, the available evidence is currently insufficient to determine the role of this variant in disease. Therefore, it has been classified as a Variant of Uncertain Significance. Algorithms developed to predict the effect of sequence changes on RNA splicing suggest that this variant may disrupt the consensus splice site. This variant is not present in population databases (gnomAD no frequency). This variant, c.273_281del, results in the deletion of 3 amino acid(s) of the TPM3 protein (p.Arg92_Gln94del), but otherwise preserves the integrity of the reading frame.

NM_152263.4(TPM3):c.273_281del (p.Arg92_Gln94del)

Gene: TPM3 (tropomyosin 3; minus strand). Cytogenetic location: 1q21.3.
Variant type: Deletion.
Coding change: c.273_281del on transcript NM_152263.4 (MANE Select); coding-DNA positions 273 to 281, 9 bases deleted (TAGGATCCA; older notation c.273_281delTAGGATCCA).
Protein change: p.Arg92_Gln94del.
Molecular consequence: inframe deletion. On other transcripts: 5 prime UTR variant (1), non-coding transcript variant (1), intron variant (1).
Genome position (GRCh38, 1-based): chr1:154,176,211-154,176,219, TGGATCCTA deleted on the plus strand (TAGGATCCA on the coding strand, the reverse complement: TPM3 is on the minus strand). VCF-style (leftmost placement, unchanged base first): chr1-154176210-CTGGATCCTA-C. GRCh37 (hg19) VCF-style: chr1-154148686-CTGGATCCTA-C.
Other names: c.162_170del, p.Arg55_Gln57del (NM_001043351.2, NM_001043352.2, NM_001043353.2 and 5 more transcripts); c.-109_-101del (NM_001278191.2); c.273_281del, p.Arg92_Gln94del (NM_001364679.2, NM_001364680.2, NM_001364681.2 and 1 more transcripts); c.69-3018_69-3010del (NM_001278188.2).
Identifiers: ClinVar variation 2948987 (VCV002948987.3), dbSNP rs2526082162, ClinGen allele CA2740090372.